The following is an entry in ClinVar:

NM_001106.4(ACVR2B):c.1213G>A (p.Gly405Arg)

Gene: ACVR2B (activin A receptor type 2B; plus strand). Cytogenetic location: 3p22.2.
Variant type: single nucleotide variant.
Coding change: c.1213G>A on transcript NM_001106.4 (MANE Select); coding-DNA position 1213, G replaced by A.
Protein change: p.Gly405Arg; replaces glycine 405 with arginine.
Molecular consequence: missense variant.
Genome position (GRCh38, 1-based): chr3:38,482,336, G>A. VCF-style: chr3-38482336-G-A. GRCh37 (hg19) VCF-style: chr3-38523827-G-A.
Other names: short protein forms G405R.
Identifiers: ClinVar variation 2908482 (VCV002908482.3), dbSNP rs767371487, ClinGen allele CA2319006.
Genomic context (GRCh38, chr3:38,482,336, plus strand): 5'-GACATGTATGCCATGGGGTTGGTGCTGTGGGAGCTTGTGTCTCGCTGCAAGGCTGCAGAC[G>A]GTAAGTAGGATGGCAGCCCTGGGCATCCTAGATTGAGTGATAGGGAGCAGTGGGACCTTA-3'
Protein context (NP_001097.2, residues 395-415): ELVSRCKAAD[Gly405Arg]PVDEYMLPFE

ClinVar aggregate classification (germline): Uncertain significance (1 of 4 stars; one submission).

Conditions:
Heterotaxy, visceral, 4, autosomal (HTX4). Identifiers: Orphanet 450, MedGen C3151057, MONDO:0013403, OMIM 613751.

Allele frequency attached by ClinVar (database versions not stated): ExAC 0.00001; gnomAD 0.00001; gnomAD exomes 0.00001.
gnomAD v4.1: 10 of 1,611,154 alleles (0.00062%); highest among the groups gnomAD compares: Non-Finnish European, 0.00076%; no homozygotes.

Submission:

Labcorp Genetics (formerly Invitae), Labcorp
Classification: Uncertain significance for Heterotaxy, visceral, 4, autosomal. Last evaluated: 2023-03-22. Review status: criteria provided, single submitter. Criteria: Invitae Variant Classification Sherloc (09022015). Collection method: clinical testing. Allele origin: germline.
Comment: In summary, the available evidence is currently insufficient to determine the role of this variant in disease. Therefore, it has been classified as a Variant of Uncertain Significance. Variants that disrupt the consensus splice site are a relatively common cause of aberrant splicing (PMID: 17576681, 9536098). An algorithm developed to predict the effect of missense changes on protein structure and function (PolyPhen-2) suggests that this variant is likely to be tolerated. This variant has not been reported in the literature in individuals affected with ACVR2B-related conditions. The frequency data for this variant in the population databases is considered unreliable, as metrics indicate poor data quality at this position in the gnomAD database. This sequence change replaces glycine, which is neutral and non-polar, with arginine, which is basic and polar, at codon 405 of the ACVR2B protein (p.Gly405Arg). This variant also falls at the last nucleotide of exon 9, which is part of the consensus splice site for this exon.

Literature cited by the submitters: PubMed 17576681; PubMed 9536098.